The following is an entry in ClinVar:

NM_024642.5(GALNT12):c.703G>A (p.Glu235Lys)

Gene: GALNT12 (polypeptide N-acetylgalactosaminyltransferase 12; plus strand). Cytogenetic location: 9q22.33.
Variant type: single nucleotide variant.
Coding change: c.703G>A on transcript NM_024642.5 (MANE Select); coding-DNA position 703, G replaced by A.
Protein change: p.Glu235Lys; replaces glutamic acid 235 with lysine.
Molecular consequence: missense variant.
Genome position (GRCh38, 1-based): chr9:98,826,913, G>A. VCF-style: chr9-98826913-G-A. GRCh37 (hg19) VCF-style: chr9-101589195-G-A.
Other names: short protein forms E235K.
Identifiers: ClinVar variation 1056428 (VCV001056428.12), dbSNP rs1256927785, ClinGen allele CA374217799.
Genomic context (GRCh38, chr9:98,826,913, plus strand): 5'-GGGGCGTCTGCGGCGAGGGGCGATGTTCTGACCTTCCTGGACTGTCACTGTGAGTGCCAC[G>A]AAGGGTGGCTGGAGCCGCTGCTGCAGAGGTACGTGAGCCGCCCACCATGGGAGAGACAGC-3'
Protein context (NP_078918.3, residues 225-245): TFLDCHCECH[Glu235Lys]GWLEPLLQRI

ClinVar aggregate classification (germline): Uncertain significance. Review status: criteria provided, multiple submitters, no conflicts (2 of 4 stars). 2 submissions from 2 submitters: Uncertain significance (2). Last evaluated 2025-06-07.

Allele frequency attached by ClinVar (database versions not stated): gnomAD 0.00001; TOPMed 0.00001.
gnomAD v4.1: 13 of 1,573,260 alleles (0.00083%); highest among the groups gnomAD compares: Non-Finnish European, 0.001%; no homozygotes.

Submissions (2):

Ambry Genetics
Classification: Uncertain significance. Last evaluated: 2025-06-07. Review status: criteria provided, single submitter. Criteria: Ambry Variant Classification Scheme 2023. Collection method: clinical testing. Allele origin: germline.
Comment: The p.E235K variant (also known as c.703G>A), located in coding exon 3 of the GALNT12 gene, results from a G to A substitution at nucleotide position 703. The glutamic acid at codon 235 is replaced by lysine, an amino acid with similar properties. This amino acid position is well conserved in available vertebrate species. In addition, this alteration is predicted to be tolerated by in silico analysis. Since supporting evidence is limited at this time, the clinical significance of this alteration remains unclear.

Labcorp Genetics (formerly Invitae), Labcorp
Classification: Uncertain significance. Last evaluated: 2024-10-07. Review status: criteria provided, single submitter. Criteria: Invitae Variant Classification Sherloc (09022015). Collection method: clinical testing. Allele origin: germline.
Comment: This sequence change replaces glutamic acid, which is acidic and polar, with lysine, which is basic and polar, at codon 235 of the GALNT12 protein (p.Glu235Lys). The frequency data for this variant in the population databases is considered unreliable, as metrics indicate poor data quality at this position in the gnomAD database. This variant has not been reported in the literature in individuals affected with GALNT12-related conditions. ClinVar contains an entry for this variant (Variation ID: 1056428). Invitae Evidence Modeling of protein sequence and biophysical properties (such as structural, functional, and spatial information, amino acid conservation, physicochemical variation, residue mobility, and thermodynamic stability) indicates that this missense variant is not expected to disrupt GALNT12 protein function with a negative predictive value of 80%. In summary, the available evidence is currently insufficient to determine the role of this variant in disease. Therefore, it has been classified as a Variant of Uncertain Significance.